The following is an entry in ClinVar:

NM_001006658.3(CR2):c.1268A>T (p.Asp423Val)

Gene: CR2 (complement C3d receptor 2; plus strand). Cytogenetic location: 1q32.2.
Variant type: single nucleotide variant.
Coding change: c.1268A>T on transcript NM_001006658.3 (MANE Select); coding-DNA position 1268, A replaced by T.
Protein change: p.Asp423Val; replaces aspartic acid 423 with valine.
Molecular consequence: missense variant.
Genome position (GRCh38, 1-based): chr1:207,470,782, A>T. VCF-style: chr1-207470782-A-T. GRCh37 (hg19) VCF-style: chr1-207644127-A-T.
Other names: c.1268A>T, p.Asp423Val (NM_001877.5); short protein forms D423V.
Identifiers: ClinVar variation 1038398 (VCV001038398.8), dbSNP rs1658251966, ClinGen allele CA344530115.

ClinVar aggregate classification (germline): Uncertain significance (1 of 4 stars; one submission).

Conditions:
Immunodeficiency, common variable, 7. Identifiers: Orphanet 1572, Orphanet 696894, MedGen C3542922, MONDO:0013862, OMIM 614699.

Submission:

Labcorp Genetics (formerly Invitae), Labcorp
Classification: Uncertain significance for Immunodeficiency, common variable, 7. Last evaluated: 2022-08-16. Review status: criteria provided, single submitter. Criteria: Invitae Variant Classification Sherloc (09022015). Collection method: clinical testing. Allele origin: germline.
Comment: This sequence change replaces aspartic acid, which is acidic and polar, with valine, which is neutral and non-polar, at codon 423 of the CR2 protein (p.Asp423Val). This variant is not present in population databases (gnomAD no frequency). This variant has not been reported in the literature in individuals affected with CR2-related conditions. ClinVar contains an entry for this variant (Variation ID: 1038398). Algorithms developed to predict the effect of missense changes on protein structure and function are either unavailable or do not agree on the potential impact of this missense change (SIFT: "Deleterious"; PolyPhen-2: "Possibly Damaging"; Align-GVGD: "Class C0"). In summary, the available evidence is currently insufficient to determine the role of this variant in disease. Therefore, it has been classified as a Variant of Uncertain Significance.